The following is an entry in ClinVar:

ClinVar aggregate classification (germline): Uncertain significance. Review status: criteria provided, multiple submitters, no conflicts (2 of 4 stars). 2 submissions from 2 submitters: Uncertain significance (2). Last evaluated 2024-12-04.

Conditions:
Inborn genetic diseases. Identifiers: MedGen C0950123, MeSH D030342.

Allele frequency attached by ClinVar (database versions not stated): gnomAD 0.00001; gnomAD exomes 0.00001; TOPMed 0.00003.
gnomAD v4.1: 13 of 1,495,816 alleles (0.00087%); highest among the groups gnomAD compares: Middle Eastern, 0.045%; no homozygotes.

Submissions (2):

Ambry Genetics
Classification: Uncertain significance for Inborn genetic diseases. Last evaluated: 2024-12-04. Review status: criteria provided, single submitter. Criteria: Ambry Variant Classification Scheme 2023. Collection method: clinical testing. Allele origin: germline.

Labcorp Genetics (formerly Invitae), Labcorp
Classification: Uncertain significance. Last evaluated: 2022-06-20. Review status: criteria provided, single submitter. Criteria: Invitae Variant Classification Sherloc (09022015). Collection method: clinical testing. Allele origin: germline.
Comment: This sequence change replaces histidine, which is basic and polar, with arginine, which is basic and polar, at codon 319 of the TYMP protein (p.His319Arg). The frequency data for this variant in the population databases is considered unreliable, as metrics indicate poor data quality at this position in the gnomAD database. This variant has not been reported in the literature in individuals affected with TYMP-related conditions. Advanced modeling of protein sequence and biophysical properties (such as structural, functional, and spatial information, amino acid conservation, physicochemical variation, residue mobility, and thermodynamic stability) performed at Invitae indicates that this missense variant is not expected to disrupt TYMP protein function. In summary, the available evidence is currently insufficient to determine the role of this variant in disease. Therefore, it has been classified as a Variant of Uncertain Significance.

NM_001953.5(TYMP):c.956A>G (p.His319Arg)

Genes: TYMP (thymidine phosphorylase; minus strand), LOC130067862 (ATAC-STARR-seq lymphoblastoid silent region 13986; plus strand). Cytogenetic location: 22q13.33.
Variant type: single nucleotide variant.
Coding change: c.956A>G on transcript NM_001953.5 (MANE Select); coding-DNA position 956, A replaced by G.
Protein change: p.His319Arg; replaces histidine 319 with arginine.
Molecular consequence: missense variant.
Genome position (GRCh38, 1-based): chr22:50,526,449, T>C on the plus strand (A>G on the coding strand, the complement: TYMP is on the minus strand). VCF-style: chr22-50526449-T-C. GRCh37 (hg19) VCF-style: chr22-50964878-T-C.
Other names: c.956A>G, p.His319Arg (NM_001113755.3, NM_001113756.3, NM_001257988.1 and 1 more transcripts); c.956A>G (NM_001953.3); short protein forms H319R.
Identifiers: ClinVar variation 2201914 (VCV002201914.2), dbSNP rs1042023607, ClinGen allele CA325560866.